The following is an entry in ClinVar:

NM_001330588.2(TPP2):c.1627G>C (p.Ala543Pro)

Gene: TPP2 (tripeptidyl peptidase 2; plus strand). Cytogenetic location: 13q33.1.
Variant type: single nucleotide variant.
Coding change: c.1627G>C on transcript NM_001330588.2 (MANE Select); coding-DNA position 1627, G replaced by C.
Protein change: p.Ala543Pro; replaces alanine 543 with proline.
Molecular consequence: missense variant. On other transcripts: non-coding transcript variant (1).
Genome position (GRCh38, 1-based): chr13:102,636,341, G>C. VCF-style: chr13-102636341-G-C. GRCh37 (hg19) VCF-style: chr13-103288691-G-C.
Other names: c.1627G>C, p.Ala543Pro (NM_001367947.1, NM_003291.4); short protein forms A543P.
Identifiers: ClinVar variation 1445825 (VCV001445825.8), dbSNP rs2139506432, ClinGen allele CA388487834.

ClinVar aggregate classification (germline): Uncertain significance (1 of 4 stars; one submission).

Conditions:
Evans syndrome, immunodeficiency, and premature immunosenescence associated with tripeptidyl-peptidase II deficiency. Identifiers: MedGen CN231723. Disease mechanism: loss of function.

Submission:

Labcorp Genetics (formerly Invitae), Labcorp
Classification: Uncertain significance for Evans syndrome, immunodeficiency, and premature immunosenescence associated with tripeptidyl-peptidase II deficiency. Last evaluated: 2021-07-17. Review status: criteria provided, single submitter. Criteria: Invitae Variant Classification Sherloc (09022015). Collection method: clinical testing. Allele origin: germline.
Comment: This variant is not present in population databases (ExAC no frequency). This variant has not been reported in the literature in individuals affected with TPP2-related conditions. Algorithms developed to predict the effect of missense changes on protein structure and function are either unavailable or do not agree on the potential impact of this missense change (SIFT: "Deleterious"; PolyPhen-2: "Possibly Damaging"; Align-GVGD: "Class C0"). In summary, the available evidence is currently insufficient to determine the role of this variant in disease. Therefore, it has been classified as a Variant of Uncertain Significance. This sequence change replaces alanine with proline at codon 543 of the TPP2 protein (p.Ala543Pro). The alanine residue is moderately conserved and there is a small physicochemical difference between alanine and proline.